The following is an entry in ClinVar:

NM_001145206.2(KIAA1671):c.864G>A (p.Thr288=)

Gene: KIAA1671 (KIAA1671; plus strand). Cytogenetic location: 22q11.23.
Variant type: single nucleotide variant.
Coding change: c.864G>A on transcript NM_001145206.2 (MANE Select); coding-DNA position 864, G replaced by A.
Protein change: p.Thr288=; no amino-acid change (threonine 288 retained).
Molecular consequence: synonymous variant.
Genome position (GRCh38, 1-based): chr22:25,028,863, G>A. VCF-style: chr22-25028863-G-A. GRCh37 (hg19) VCF-style: chr22-25424830-G-A.
Other names: c.864G>A, p.Thr288= (NM_001386930.1, NM_001386932.1, NM_001386933.1).
Identifiers: ClinVar variation 2653002 (VCV002653002.24), dbSNP rs534336780, ClinGen allele CA322267116.

ClinVar aggregate classification (germline): Likely benign (1 of 4 stars; one submission).

Allele frequency attached by ClinVar (database versions not stated): gnomAD 0.00042; 1000 Genomes Project 30x 0.00250.
gnomAD v4.1: 1,130 of 1,551,026 alleles (0.073%); highest among the groups gnomAD compares: South Asian, 0.97%; 9 homozygotes.

Submission:

CeGaT Center for Human Genetics Tuebingen
Classification: Likely benign. Last evaluated: 2022-06-01. Review status: criteria provided, single submitter. Criteria: CeGaT Center For Human Genetics Tuebingen Variant Classification Criteria Version 2. Collection method: clinical testing. Allele origin: germline. Affected: yes. Observed: 1 variant allele.
Comment: KIAA1671: BP4, BP7